The following is an entry in ClinVar:

ClinVar aggregate classification (germline): Benign. Review status: criteria provided, multiple submitters, no conflicts (2 of 4 stars). 4 submissions from 4 submitters: Benign (3). 1 of the submissions does not count toward it. Last evaluated 2026-01-18.

Conditions:
XDH-related disorder. Also called: XDH-related condition.
Xanthinuria type II. Also called: Xanthine dehydrogenase and aldehyde oxidase combined deficiency of; XDH and AOX dual deficiency. Identifiers: Orphanet 3467, Orphanet 93602, MedGen C1863688, MONDO:0011346, OMIM 603592.
Hereditary xanthinuria type 1 (XAN1). Identifiers: Orphanet 3467, Orphanet 93601, MedGen C0268118, MONDO:0010209, OMIM 278300.

Allele frequency attached by ClinVar (database versions not stated): gnomAD 0.00005 and 0.00072; ESP Exome Variant Server 0.00008; TOPMed 0.00015; gnomAD exomes 0.00128 and 0.00290; ExAC 0.00305; 1000 Genomes Project 30x 0.00578; 1000 Genomes Project 0.00599.
gnomAD v4.1: 2,003 of 1,614,214 alleles (0.12%); highest among the groups gnomAD compares: South Asian, 2%; 36 homozygotes.

Submissions (4):

Labcorp Genetics (formerly Invitae), Labcorp
Classification: Benign for Xanthinuria type II. Last evaluated: 2026-01-18. Review status: criteria provided, single submitter. Criteria: Invitae Variant Classification Sherloc (09022015). Collection method: clinical testing. Allele origin: germline.

Genome-Nilou Lab
Classification: Benign for Hereditary xanthinuria type 1. Last evaluated: 2021-12-05. Review status: criteria provided, single submitter. Criteria: ACMG Guidelines, 2015. Collection method: clinical testing. Allele origin: germline. Affected: no.

Illumina Laboratory Services, Illumina
Classification: Benign for Hereditary xanthinuria type 1. Last evaluated: 2018-01-12. Review status: criteria provided, single submitter. Criteria: ICSL Variant Classification Criteria 13 December 2019. Collection method: clinical testing. Allele origin: germline.
Comment: This variant was observed in the ICSL laboratory as part of a predisposition screen in an ostensibly healthy population. It had not been previously curated by ICSL or reported in the Human Gene Mutation Database (HGMD: prior to June 1st, 2018), and was therefore a candidate for classification through an automated scoring system. Utilizing variant allele frequency, disease prevalence and penetrance estimates, and inheritance mode, an automated score was calculated to assess if this variant is too frequent to cause the disease. Based on the score and internal cut-off values, a variant classified as benign is not then subjected to further curation. The score for this variant resulted in a classification of benign for this disease.

PreventionGenetics, part of Exact Sciences
Classification: Benign for XDH-related condition. Last evaluated: 2019-09-23. Review status: no assertion criteria provided. Collection method: clinical testing. Allele origin: germline. Not counted in ClinVar's aggregate classification.
Comment: This variant is classified as benign based on ACMG/AMP sequence variant interpretation guidelines (Richards et al. 2015 PMID: 25741868, with internal and published modifications).

NM_000379.4(XDH):c.1990G>A (p.Val664Ile)

Gene: XDH (xanthine dehydrogenase; minus strand). Cytogenetic location: 2p23.1.
Variant type: single nucleotide variant.
Coding change: c.1990G>A on transcript NM_000379.4 (MANE Select); coding-DNA position 1990, G replaced by A.
Protein change: p.Val664Ile; replaces valine 664 with isoleucine.
Molecular consequence: missense variant.
Genome position (GRCh38, 1-based): chr2:31,368,651, C>T on the plus strand (G>A on the coding strand, the complement: XDH is on the minus strand). VCF-style: chr2-31368651-C-T. GRCh37 (hg19) VCF-style: chr2-31591517-C-T.
Other names: short protein forms V664I.
Identifiers: ClinVar variation 335776 (VCV000335776.17), dbSNP rs201301387, ClinGen allele CA1598996.